The following is an entry in ClinVar:

NM_016589.4(TIMMDC1):c.662A>T (p.Lys221Ile)

Gene: TIMMDC1 (translocase of inner mitochondrial membrane domain containing 1; plus strand). Cytogenetic location: 3q13.33.
Variant type: single nucleotide variant.
Coding change: c.662A>T on transcript NM_016589.4 (MANE Select); coding-DNA position 662, A replaced by T.
Protein change: p.Lys221Ile; replaces lysine 221 with isoleucine.
Molecular consequence: missense variant.
Genome position (GRCh38, 1-based): chr3:119,517,270, A>T. VCF-style: chr3-119517270-A-T. GRCh37 (hg19) VCF-style: chr3-119236117-A-T.
Other names: short protein forms K221I.
Identifiers: ClinVar variation 2020885 (VCV002020885.1), dbSNP rs2473084520, ClinGen allele CA354030456.

ClinVar aggregate classification (germline): Uncertain significance (1 of 4 stars; one submission).

Submission:

Labcorp Genetics (formerly Invitae), Labcorp
Classification: Uncertain significance. Last evaluated: 2022-07-31. Review status: criteria provided, single submitter. Criteria: Invitae Variant Classification Sherloc (09022015). Collection method: clinical testing. Allele origin: germline.
Comment: This sequence change replaces lysine, which is basic and polar, with isoleucine, which is neutral and non-polar, at codon 221 of the TIMMDC1 protein (p.Lys221Ile). This variant is not present in population databases (gnomAD no frequency). This variant has not been reported in the literature in individuals affected with TIMMDC1-related conditions. Algorithms developed to predict the effect of missense changes on protein structure and function are either unavailable or do not agree on the potential impact of this missense change (SIFT: "Deleterious"; PolyPhen-2: "Possibly Damaging"; Align-GVGD: "Class C0"). In summary, the available evidence is currently insufficient to determine the role of this variant in disease. Therefore, it has been classified as a Variant of Uncertain Significance.